The following is an entry in ClinVar:

NM_005996.4(TBX3):c.328A>G (p.Lys110Glu)

Genes: TBX3 (T-box transcription factor 3; minus strand), TBX3-AS1 (TBX3 antisense RNA 1; plus strand). Cytogenetic location: 12q24.21.
Variant type: single nucleotide variant.
Coding change: c.328A>G on transcript NM_005996.4 (MANE Select); coding-DNA position 328, A replaced by G.
Protein change: p.Lys110Glu; replaces lysine 110 with glutamic acid.
Molecular consequence: missense variant.
Genome position (GRCh38, 1-based): chr12:114,682,873, T>C on the plus strand (A>G on the coding strand, the complement: TBX3 is on the minus strand). VCF-style: chr12-114682873-T-C. GRCh37 (hg19) VCF-style: chr12-115120678-T-C.
Other names: c.328A>G, p.Lys110Glu (NM_016569.4); short protein forms K110E.
Identifiers: ClinVar variation 4983342 (VCV004983342.1).

ClinVar aggregate classification (germline): Uncertain significance (1 of 4 stars; one submission).

Conditions:
TBX3-related disorder. Also called: TBX3-related condition.

gnomAD v4.1: 8 of 1,614,042 alleles (0.0005%); highest among the groups gnomAD compares: Non-Finnish European, 0.00068%; no homozygotes.

Submission:

PreventionGenetics, part of Exact Sciences
Classification: Uncertain significance for TBX3-related condition. Last evaluated: 2024-11-15. Review status: criteria provided, single submitter. Criteria: ACMG Guidelines, 2015. Collection method: clinical testing. Allele origin: germline.
Comment: The TBX3 c.328A>G variant is predicted to result in the amino acid substitution p.Lys110Glu. To our knowledge, this variant has not been reported in the literature or in a large population database (gnomAD), indicating this variant is rare. At this time, the clinical significance of this variant is uncertain due to the absence of conclusive functional and genetic evidence.